The following is an entry in ClinVar:

ClinVar aggregate classification (germline): Pathogenic/Likely pathogenic. Review status: criteria provided, multiple submitters, no conflicts (2 of 4 stars). 3 submissions from 3 submitters: Pathogenic (1); Likely pathogenic (2). Last evaluated 2026-02-13.

Conditions:
Growth retardation, intellectual developmental disorder, hypotonia, and hepatopathy (GRIDHH). Also called: GROWTH RETARDATION, IMPAIRED INTELLECTUAL DEVELOPMENT, HYPOTONIA, AND HEPATOPATHY. Identifiers: Orphanet 541423, MedGen C4310720, MONDO:0014911, OMIM 617093.

Submissions (3):

OLLIN Analises Genomicas, OLLIN
Classification: Likely pathogenic for Growth retardation, intellectual developmental disorder, hypotonia, and hepatopathy. Last evaluated: 2026-02-13. Review status: criteria provided, single submitter. Criteria: ACMG Guidelines 2015 PMID 25741868. Collection method: clinical testing. Allele origin: germline. Observed: 1 variant allele.
Comment: PVS1, PM2_P

Variantyx, Inc.
Classification: Likely pathogenic for Growth retardation, intellectual developmental disorder, hypotonia, and hepatopathy. Last evaluated: 2025-06-19. Review status: criteria provided, single submitter. Criteria: Variantyx Assertion Criteria 2022. Collection method: clinical testing. Allele origin: germline. Inheritance: Autosomal recessive inheritance. Affected: no.
Comment: This is a frameshift variant in the IARS1 gene (OMIM: 600709). Pathogenic variants in this gene have been associated with autosomal recessive growth retardation, impaired intellectual development, hypotonia, and hepatopathy. This variant introduces a premature termination codon in exon 32 out of 34 and is expected to result in loss of function, which is a known disease mechanism for IARS1 in this disorder (PMID: 27426735, 27891590) (PVS1). This variant has a 0.0033% maximum allele frequency in non-founder control populations (PM2). Based on the current evidence, this variant is classified as likely pathogenic for autosomal recessive growth retardation, impaired intellectual development, hypotonia, and hepatopathy.

Labcorp Genetics (formerly Invitae), Labcorp
Classification: Pathogenic. Last evaluated: 2025-04-17. Review status: criteria provided, single submitter. Criteria: Invitae Variant Classification Sherloc (09022015). Collection method: clinical testing. Allele origin: germline.
Comment: This sequence change creates a premature translational stop signal (p.Val1154Aspfs*13) in the IARS gene. It is expected to result in an absent or disrupted protein product. Loss-of-function variants in IARS are known to be pathogenic (PMID: 27426735, 27891590). This variant is present in population databases (rs771883699, gnomAD 0.006%). This variant has not been reported in the literature in individuals affected with IARS-related conditions. For these reasons, this variant has been classified as Pathogenic.

Literature cited by the submitters: PubMed 27426735 (cited by Variantyx, Inc. and Labcorp Genetics (formerly Invitae), Labcorp); PubMed 27891590 (cited by Variantyx, Inc. and Labcorp Genetics (formerly Invitae), Labcorp).

NM_002161.6(IARS1):c.3461_3462del (p.Val1154fs)

Gene: IARS1 (isoleucyl-tRNA synthetase 1; minus strand). Cytogenetic location: 9q22.31.
Variant type: Microsatellite.
Coding change: c.3461_3462del on transcript NM_002161.6 (MANE Select); coding-DNA positions 3461 to 3462, 2 bases deleted (TG; older notation c.3461_3462delTG).
Protein change: p.Val1154fs; shifts the reading frame from valine 1154.
Molecular consequence: frameshift variant. On other transcripts: non-coding transcript variant (1), intron variant (5).
Genome position (GRCh38, 1-based): chr9:92,223,437-92,223,438, CA deleted on the plus strand (TG on the coding strand, the reverse complement: IARS1 is on the minus strand); deleting any 2 consecutive bases within chr9:92,223,437-92,223,442 gives the same sequence; the c. name uses the placement nearest the transcript's 3' end. VCF-style (leftmost placement, unchanged base first): chr9-92223436-TCA-T. GRCh37 (hg19) VCF-style: chr9-94985718-TCA-T.
Other names: c.3386_3387del, p.Val1129fs (NM_001374299.1, NM_001374300.1); c.3377_3378del, p.Val1126fs (NM_001374301.1); c.3524_3525del, p.Val1175fs (NM_001378569.1); c.3482_3483del, p.Val1161fs (NM_001378571.1, NM_001378572.1); c.3461_3462del, p.Val1154fs (NM_001378573.1, NM_001378574.1, NM_001378575.1 and 3 more transcripts); c.3419_3420del, p.Val1140fs (NM_001378577.1); c.3365_3366del, p.Val1122fs (NM_001378582.1); c.3338_3339del, p.Val1113fs (NM_001378583.1); and 3 more; short protein forms V1129fs, V1161fs, V1175fs, V1126fs, V1154fs, V1113fs, V1122fs, V1140fs.
Identifiers: ClinVar variation 1984674 (VCV001984674.5), dbSNP rs771883699, ClinGen allele CA5121849.